The following is an entry in ClinVar:

ClinVar aggregate classification (germline): Likely benign (1 of 4 stars; one submission).

Conditions:
NDE1-related disorder. Also called: NDE1-Related Disorders; NDE1-related condition.

gnomAD v4.1: 1 of 1,613,582 alleles (0.000062%); highest among the groups gnomAD compares: Non-Finnish European, 0.000085%; no homozygotes.

Submission:

PreventionGenetics, part of Exact Sciences
Classification: Likely benign for NDE1-related condition. Last evaluated: 2025-08-19. Review status: criteria provided, single submitter. Criteria: ACMG Guidelines, 2015. Collection method: clinical testing. Allele origin: germline.
Comment: This variant is classified as likely benign based on ACMG/AMP sequence variant interpretation guidelines (Richards et al. 2015 PMID: 25741868, with internal and published modifications).

NM_017668.3(NDE1):c.57A>G (p.Lys19=)

Gene: NDE1 (nudE neurodevelopment protein 1; plus strand). Cytogenetic location: 16p13.11.
Variant type: single nucleotide variant.
Coding change: c.57A>G on transcript NM_017668.3 (MANE Select); coding-DNA position 57, A replaced by G.
Protein change: p.Lys19=; no amino-acid change (lysine 19 retained).
Molecular consequence: synonymous variant.
Genome position (GRCh38, 1-based): chr16:15,664,835, A>G. VCF-style: chr16-15664835-A-G. GRCh37 (hg19) VCF-style: chr16-15758692-A-G.
Other names: c.57A>G, p.Lys19= (NM_001143979.2).
Identifiers: ClinVar variation 4994557 (VCV004994557.1).